The following is an entry in ClinVar:

NM_001283009.2(RTEL1):c.2223del (p.Ile742fs)

Genes: RTEL1 (regulator of telomere elongation helicase 1; plus strand), RTEL1-TNFRSF6B (RTEL1-TNFRSF6B readthrough (NMD candidate); plus strand). Cytogenetic location: 20q13.33.
Variant type: Deletion.
Coding change: c.2223del on transcript NM_001283009.2 (MANE Select); coding-DNA position 2223, one base deleted (C; older notation c.2223delC).
Protein change: p.Ile742fs; shifts the reading frame from isoleucine 742.
Molecular consequence: frameshift variant. On other transcripts: non-coding transcript variant (1).
Genome position (GRCh38, 1-based): chr20:63,690,168, C deleted. VCF-style (leftmost placement, unchanged base first): chr20-63690167-TC-T. GRCh37 (hg19) VCF-style: chr20-62321520-TC-T.
Other names: c.2223delC (NM_001283009.2); c.1554del, p.Ile519fs (NM_001283010.1); c.2223del, p.Ile742fs (NM_016434.4); c.2295del, p.Ile766fs (NM_032957.5); short protein forms I519fs, I742fs, I766fs.
Identifiers: ClinVar variation 973866 (VCV000973866.27), dbSNP rs2090699166, ClinGen allele CA1139666806.

ClinVar aggregate classification (germline): Pathogenic. Review status: criteria provided, single submitter (1 of 4 stars). 2 submissions from 2 submitters: Pathogenic (1). 1 of the submissions does not count toward it. Last evaluated 2020-02-04.

Conditions:
Pulmonary fibrosis and/or bone marrow failure, Telomere-related, 3. Also called: PULMONARY FIBROSIS AND/OR BONE MARROW FAILURE SYNDROME, TELOMERE-RELATED, 3. Identifiers: Orphanet 2032, MedGen C4225346, MONDO:0014613, OMIM 616373.
Telomere syndrome. Identifiers: MedGen C4727832, MONDO:0100137.

Submissions (2):

Johns Hopkins Genomics, Johns Hopkins University
Classification: Pathogenic for Pulmonary fibrosis and/or bone marrow failure, Telomere-related, 3. Last evaluated: 2020-02-04. Review status: criteria provided, single submitter. Criteria: ACMG Guidelines, 2015. Collection method: clinical testing. Allele origin: germline.
Comment: This RTEL1 variant is absent from a large population dataset and has not been reported in ClinVar nor the literature, to our knowledge. This frameshift variant creates a premature stop codon at position 58 of the new reading frame, and is predicted to cause nonsense-mediated decay and lack of protein production. We consider this variant to be pathogenic.

The Telomere Center at Johns Hopkins, Johns Hopkins University School of Medicine
Classification: Pathogenic for Telomere syndrome. Last evaluated: 2022-08-01. Review status: no assertion criteria provided. Collection method: clinical testing. Allele origin: germline. Affected: yes. Observed: 1 variant allele. Not counted in ClinVar's aggregate classification.